The following is an entry in ClinVar:

NM_000352.6(ABCC8):c.4258C>A (p.Arg1420Ser)

Gene: ABCC8 (ATP binding cassette subfamily C member 8; minus strand). Cytogenetic location: 11p15.1.
Variant type: single nucleotide variant.
Coding change: c.4258C>A on transcript NM_000352.6 (MANE Select); coding-DNA position 4258, C replaced by A.
Protein change: p.Arg1420Ser; replaces arginine 1420 with serine.
Molecular consequence: missense variant. On other transcripts: non-coding transcript variant (1).
Genome position (GRCh38, 1-based): chr11:17,395,659, G>T on the plus strand (C>A on the coding strand, the complement: ABCC8 is on the minus strand). VCF-style: chr11-17395659-G-T. GRCh37 (hg19) VCF-style: chr11-17417206-G-T.
Other names: c.4261C>A, p.Arg1421Ser (NM_001287174.3); c.4324C>A, p.Arg1442Ser (NM_001351295.2); c.4258C>A, p.Arg1420Ser (NM_001351296.2); c.4255C>A, p.Arg1419Ser (NM_001351297.2); short protein forms R1421S, R1442S, R1420S, R1419S.
Identifiers: ClinVar variation 1464709 (VCV001464709.8), dbSNP rs28938469, ClinGen allele CA379786677.

ClinVar aggregate classification (germline): Likely pathogenic (1 of 4 stars; one submission).

Submission:

Labcorp Genetics (formerly Invitae), Labcorp
Classification: Likely pathogenic. Last evaluated: 2021-06-04. Review status: criteria provided, single submitter. Criteria: Invitae Variant Classification Sherloc (09022015). Collection method: clinical testing. Allele origin: germline.
Comment: This variant is not present in population databases (ExAC no frequency). This sequence change replaces arginine with serine at codon 1420 of the ABCC8 protein (p.Arg1420Ser). The arginine residue is highly conserved and there is a moderate physicochemical difference between arginine and serine. This variant has not been reported in the literature in individuals with ABCC8-related conditions. In summary, the currently available evidence indicates that the variant is pathogenic, but additional data are needed to prove that conclusively. Therefore, this variant has been classified as Likely Pathogenic. This variant disrupts the p.Arg1420 amino acid residue in ABCC8. Other variant(s) that disrupt this residue have been determined to be pathogenic (PMID: 9769320, 17378627, 10615958). This suggests that this residue is clinically significant, and that variants that disrupt this residue are likely to be disease-causing. Advanced modeling of protein sequence and biophysical properties (such as structural, functional, and spatial information, amino acid conservation, physicochemical variation, residue mobility, and thermodynamic stability) performed at Invitae indicates that this missense variant is expected to disrupt ABCC8 protein function.

Literature cited by the submitters: PubMed 9769320; PubMed 17378627; PubMed 10615958.